The following is an entry in ClinVar:

ClinVar aggregate classification (germline): Pathogenic (1 of 4 stars; one submission).

Conditions:
Hereditary breast ovarian cancer syndrome. Also called: Hereditary breast and ovarian cancer; Hereditary breast and ovarian cancer syndrome (HBOC); Breast and ovarian cancer; Hereditary breast and ovarian cancer syndrome; Hereditary breast and/or ovarian cancer syndrome; BRCA1- and BRCA2-Associated Hereditary Breast and Ovarian Cancer. Identifiers: Orphanet 145, MedGen C0677776, MeSH D061325, MONDO:0003582. Disease mechanism: loss of function.

Submission:

Labcorp Genetics (formerly Invitae), Labcorp
Classification: Pathogenic for Hereditary breast ovarian cancer syndrome. Last evaluated: 2022-11-01. Review status: criteria provided, single submitter. Criteria: Invitae Variant Classification Sherloc (09022015). Collection method: clinical testing. Allele origin: germline.
Comment: For these reasons, this variant has been classified as Pathogenic. This sequence change inserts a large fragment of DNA, likely a transposable element, in exon 18 of the BRCA1 gene (c.5186_5187ins?), causing a frameshift at codon 1730 (p.Asn1730fs). The exact size and sequence of the insertion cannot be determined by the current assay. However, the insertion is expected to result in an absent or disrupted protein product. This variant is not present in population databases (gnomAD no frequency). This variant has not been reported in the literature in individuals affected with BRCA1-related conditions. Retrotransposon insertions including LINE1 (L1), Alu, and SVA (SINE-VNTR-Alu) have been reported to be disease-causing through disruption of either a coding region or splice site (PMID: 19763152, 20307669, 22406018) and loss-of-function variants in BRCA1 are known to be pathogenic (PMID: 20104584).

Literature cited by the submitters: PubMed 19763152; PubMed 20307669; PubMed 22406018; PubMed 20104584.

NM_007294.4(BRCA1):c.5186_5187insCACGCCTGTAATCCCAGCACTTTGGGAGGCCGAGGCGGGCGGATCACGAGGTCAGGAGATCGAGACCATCCNNNNNNNNNNAAAAAAAAAAAAAAAAAAAAAAAGAAAGAAAAATGCT (p.Asn1730fs)

Gene: BRCA1 (BRCA1 DNA repair associated; minus strand). Cytogenetic location: 17q21.31.
Variant type: Insertion.
Coding change: c.5186_5187insCACGCCTGTAATCCCAGCACTTTGGGAGGCCGAGGCGGGCGGATCACGAGGTCAGGAGATCGAGACCATCCNNNNNNNNNNAAAAAAAAAAAAAAAAAAAAAAAGAAAGAAAAATGCT on transcript NM_007294.4 (MANE Select); coding-DNA positions 5186 to 5187, CACGCCTGTAATCCCAGCACTTTGGGAGGCCGAGGCGGGCGGATCACGAGGTCAGGAGATCGAGACCATCCNNNNNNNNNNAAAAAAAAAAAAAAAAAAAAAAAGAAAGAAAAATGCT inserted.
Protein change: p.Asn1730fs; shifts the reading frame from asparagine 1730.
Molecular consequence: frameshift variant. On other transcripts: non-coding transcript variant (1).
Genome position: GRCh38: chr17:43,063,356-43,063,357. GRCh37 (hg19): chr17:41,215,373-41,215,374.
Other names: c.5232_5233insAAAGAAAGAAAAATGCTCACGCCTGTAATCCCAGCACTTTGGGAGGCCGAGGCGGGCGGATCACGAGGTCAGGAGATCGAGACCATCCNNNNNNNNNNAAAAAAAAAAAAAAAAAAAA, p.Asn1751Thrfs (NM_001407583.1, NM_001407585.1, NM_001407587.1); c.5037_5038insAAAGAAAGAAAAATGCTCACGCCTGTAATCCCAGCACTTTGGGAGGCCGAGGCGGGCGGATCACGAGGTCAGGAGATCGAGACCATCCNNNNNNNNNNAAAAAAAAAAAAAAAAAAAA, p.Asn1686Thrfs (NM_001407691.1, NM_001407690.1); c.5028_5029insAAAGAAAGAAAAATGCTCACGCCTGTAATCCCAGCACTTTGGGAGGCCGAGGCGGGCGGATCACGAGGTCAGGAGATCGAGACCATCCNNNNNNNNNNAAAAAAAAAAAAAAAAAAAA, p.Asn1683Thrfs (NM_001407692.1, NM_001407694.1, NM_001407695.1 and 12 more transcripts); c.5229_5230insAAAGAAAGAAAAATGCTCACGCCTGTAATCCCAGCACTTTGGGAGGCCGAGGCGGGCGGATCACGAGGTCAGGAGATCGAGACCATCCNNNNNNNNNNAAAAAAAAAAAAAAAAAAAA, p.Asn1750Thrfs (NM_001407590.1, NM_001407591.1); c.5169_5170insAAAGAAAGAAAAATGCTCACGCCTGTAATCCCAGCACTTTGGGAGGCCGAGGCGGGCGGATCACGAGGTCAGGAGATCGAGACCATCCNNNNNNNNNNAAAAAAAAAAAAAAAAAAAA, p.Asn1730Thrfs (NM_001407593.1, NM_001407594.1, NM_001407596.1 and 7 more transcripts); c.5025_5026insAAAGAAAGAAAAATGCTCACGCCTGTAATCCCAGCACTTTGGGAGGCCGAGGCGGGCGGATCACGAGGTCAGGAGATCGAGACCATCCNNNNNNNNNNAAAAAAAAAAAAAAAAAAAA, p.Asn1682Thrfs (NM_001407734.1, NM_001407735.1, NM_001407736.1 and 21 more transcripts); c.5166_5167insAAAGAAAGAAAAATGCTCACGCCTGTAATCCCAGCACTTTGGGAGGCCGAGGCGGGCGGATCACGAGGTCAGGAGATCGAGACCATCCNNNNNNNNNNAAAAAAAAAAAAAAAAAAAA, p.Asn1729Thrfs (NM_001407617.1, NM_001407618.1, NM_001407612.1 and 17 more transcripts); c.4836_4837insAAAGAAAGAAAAATGCTCACGCCTGTAATCCCAGCACTTTGGGAGGCCGAGGCGGGCGGATCACGAGGTCAGGAGATCGAGACCATCCNNNNNNNNNNAAAAAAAAAAAAAAAAAAAA, p.Asn1619Thrfs (NM_001407946.1, NM_001407947.1, NM_001407948.1 and 1 more transcripts); and 75 more; short protein forms N1751fs, N626fs, N1730fs, N1683fs.
Identifiers: ClinVar variation 1452738 (VCV001452738.7), dbSNP rs2153556225.